The following is an entry in ClinVar:

NM_014017.4(LAMTOR2):c.239G>A (p.Arg80His)

Gene: LAMTOR2 (late endosomal/lysosomal adaptor, MAPK and MTOR activator 2; plus strand). Cytogenetic location: 1q22.
Variant type: single nucleotide variant.
Coding change: c.239G>A on transcript NM_014017.4 (MANE Select); coding-DNA position 239, G replaced by A.
Protein change: p.Arg80His; replaces arginine 80 with histidine.
Molecular consequence: missense variant. On other transcripts: intron variant (1).
Genome position (GRCh38, 1-based): chr1:156,057,985, G>A. VCF-style: chr1-156057985-G-A. GRCh37 (hg19) VCF-style: chr1-156027776-G-A.
Other names: c.232-330G>A (NM_001145264.2); short protein forms R80H.
Identifiers: ClinVar variation 1921434 (VCV001921434.6), dbSNP rs1340233832, ClinGen allele CA342816031.

ClinVar aggregate classification (germline): Uncertain significance. Review status: criteria provided, multiple submitters, no conflicts (2 of 4 stars). 2 submissions from 2 submitters: Uncertain significance (2). Last evaluated 2025-08-27.

Allele frequency attached by ClinVar (database versions not stated): gnomAD exomes 0.00001; TOPMed 0.00001; gnomAD 0.00002.
gnomAD v4.1: 25 of 1,613,934 alleles (0.0015%); highest among the groups gnomAD compares: Non-Finnish European, 0.0017%; no homozygotes.

Submissions (2):

Ambry Genetics
Classification: Uncertain significance. Last evaluated: 2025-08-27. Review status: criteria provided, single submitter. Criteria: Ambry Variant Classification Scheme 2023. Collection method: clinical testing. Allele origin: germline.

Labcorp Genetics (formerly Invitae), Labcorp
Classification: Uncertain significance. Last evaluated: 2022-12-15. Review status: criteria provided, single submitter. Criteria: Invitae Variant Classification Sherloc (09022015). Collection method: clinical testing. Allele origin: germline.
Comment: In summary, the available evidence is currently insufficient to determine the role of this variant in disease. Therefore, it has been classified as a Variant of Uncertain Significance. Algorithms developed to predict the effect of missense changes on protein structure and function (SIFT, PolyPhen-2, Align-GVGD) all suggest that this variant is likely to be tolerated. This variant has not been reported in the literature in individuals affected with LAMTOR2-related conditions. This variant is present in population databases (no rsID available, gnomAD 0.003%). This sequence change replaces arginine, which is basic and polar, with histidine, which is basic and polar, at codon 80 of the LAMTOR2 protein (p.Arg80His).